The following is an entry in ClinVar:

NM_024854.5(PYROXD1):c.617T>C (p.Ile206Thr)

Gene: PYROXD1 (pyridine nucleotide-disulphide oxidoreductase domain 1; plus strand). Cytogenetic location: 12p12.1.
Variant type: single nucleotide variant.
Coding change: c.617T>C on transcript NM_024854.5 (MANE Select); coding-DNA position 617, T replaced by C.
Protein change: p.Ile206Thr; replaces isoleucine 206 with threonine.
Molecular consequence: missense variant. On other transcripts: 5 prime UTR variant (1).
Genome position (GRCh38, 1-based): chr12:21,455,260, T>C. VCF-style: chr12-21455260-T-C. GRCh37 (hg19) VCF-style: chr12-21608194-T-C.
Other names: c.404T>C, p.Ile135Thr (NM_001350912.2); c.-161T>C (NM_001350913.2); short protein forms I135T, I206T.
Identifiers: ClinVar variation 1031411 (VCV001031411.1), dbSNP rs1261980731, ClinGen allele CA384108123.
Genomic context (GRCh38, chr12:21,455,260, plus strand): 5'-ATGCAGGAGCAGCTGAATTCTTGACTTCAAAGCTCATTGCTGAAAAATCAGAGGCTAAAA[T>C]TGCACATAAAAGAACCAGATATACAACTGAAGGTAAGTGTAGCACCTAGCTCATTAATTC-3'
Protein context (NP_079130.2, residues 196-216): KLIAEKSEAK[Ile206Thr]AHKRTRYTTE

ClinVar aggregate classification (germline): Uncertain significance (1 of 4 stars; one submission).

Conditions:
Myofibrillar myopathy 8. Identifiers: MedGen C4310645, MONDO:0014993, OMIM 617258.

Allele frequency attached by ClinVar (database versions not stated): TOPMed below 0.00001; gnomAD exomes 0.00001.
gnomAD v4.1: 10 of 1,570,916 alleles (0.00064%); highest among the groups gnomAD compares: South Asian, 0.0059%; no homozygotes.

Submission:

Baylor Genetics
Classification: Uncertain significance for Myofibrillar myopathy 8. Last evaluated: 2018-02-11. Review status: criteria provided, single submitter. Criteria: ACMG Guidelines, 2015. Collection method: clinical testing. Allele origin: paternal. Affected: yes.
Comment: This variant was determined to be of uncertain significance according to ACMG Guidelines, 2015 [PMID:25741868].